The following is an entry in ClinVar:

ClinVar aggregate classification (germline): Likely benign. Review status: criteria provided, multiple submitters, no conflicts (2 of 4 stars). 2 submissions from 2 submitters: Likely benign (2). Last evaluated 2026-02-01.

Allele frequency attached by ClinVar (database versions not stated): gnomAD 0.00001; gnomAD exomes 0.00001 and 0.00004; TOPMed 0.00003.
gnomAD v4.1: 18 of 1,551,416 alleles (0.0012%); highest among the groups gnomAD compares: Middle Eastern, 0.017%; no homozygotes.

Submissions (2):

CeGaT Center for Human Genetics Tuebingen
Classification: Likely benign. Last evaluated: 2026-02-01. Review status: criteria provided, single submitter. Criteria: CeGaT Center For Human Genetics Tuebingen Variant Classification Criteria Version 2. Collection method: clinical testing. Allele origin: germline. Affected: yes. Observed: 1 variant allele.
Comment: TOP2B: BP4, BP7

Labcorp Genetics (formerly Invitae), Labcorp
Classification: Likely benign. Last evaluated: 2025-09-14. Review status: criteria provided, single submitter. Criteria: Invitae Variant Classification Sherloc (09022015). Collection method: clinical testing. Allele origin: germline.

NM_001330700.2(TOP2B):c.1521C>T (p.Leu507=)

Gene: TOP2B (DNA topoisomerase II beta; minus strand). Cytogenetic location: 3p24.2.
Variant type: single nucleotide variant.
Coding change: c.1521C>T on transcript NM_001330700.2 (MANE Select); coding-DNA position 1521, C replaced by T.
Protein change: p.Leu507=; no amino-acid change (leucine 507 retained).
Molecular consequence: synonymous variant.
Genome position (GRCh38, 1-based): chr3:25,630,354, G>A on the plus strand (C>T on the coding strand, the complement: TOP2B is on the minus strand). VCF-style: chr3-25630354-G-A. GRCh37 (hg19) VCF-style: chr3-25671845-G-A.
Other names: c.1506C>T, p.Leu502= (NM_001068.3).
Identifiers: ClinVar variation 1589771 (VCV001589771.12), dbSNP rs1037702066, ClinGen allele CA71654056.